The following is an entry in ClinVar:

ClinVar aggregate classification (germline): Likely benign. Review status: criteria provided, multiple submitters, no conflicts (2 of 4 stars). 3 submissions from 3 submitters: Likely benign (2). 1 of the submissions does not count toward it. Last evaluated 2025-12-10.

Conditions:
SON-related disorder. Also called: SON-related condition.

Allele frequency attached by ClinVar (database versions not stated): ESP Exome Variant Server 0.00008; 1000 Genomes Project 30x 0.00016; 1000 Genomes Project 0.00020; ExAC 0.00033.
gnomAD v4.1: 245 of 1,614,204 alleles (0.015%); highest among the groups gnomAD compares: South Asian, 0.17%; 3 homozygotes.

Submissions (3):

Labcorp Genetics (formerly Invitae), Labcorp
Classification: Likely benign. Last evaluated: 2025-12-10. Review status: criteria provided, single submitter. Criteria: Invitae Variant Classification Sherloc (09022015). Collection method: clinical testing. Allele origin: germline.

CeGaT Center for Human Genetics Tuebingen
Classification: Likely benign. Last evaluated: 2023-01-01. Review status: criteria provided, single submitter. Criteria: CeGaT Center For Human Genetics Tuebingen Variant Classification Criteria Version 2. Collection method: clinical testing. Allele origin: germline. Affected: yes. Observed: 1 variant allele.
Comment: SON: BP4

PreventionGenetics, part of Exact Sciences
Classification: Likely benign for SON-related condition. Last evaluated: 2022-04-19. Review status: no assertion criteria provided. Collection method: clinical testing. Allele origin: germline. Not counted in ClinVar's aggregate classification.
Comment: This variant is classified as likely benign based on ACMG/AMP sequence variant interpretation guidelines (Richards et al. 2015 PMID: 25741868, with internal and published modifications).

NM_138927.4(SON):c.4342T>A (p.Ser1448Thr)

Gene: SON (SON DNA and RNA binding protein; plus strand). Cytogenetic location: 21q22.11.
Variant type: single nucleotide variant.
Coding change: c.4342T>A on transcript NM_138927.4 (MANE Select); coding-DNA position 4342, T replaced by A.
Protein change: p.Ser1448Thr; replaces serine 1448 with threonine.
Molecular consequence: missense variant. On other transcripts: non-coding transcript variant (1), intron variant (1).
Genome position (GRCh38, 1-based): chr21:33,553,573, T>A. VCF-style: chr21-33553573-T-A. GRCh37 (hg19) VCF-style: chr21-34925879-T-A.
Other names: c.4342T>A, p.Ser1448Thr (NM_001291411.2, NM_001412133.1, NM_032195.3 and 2 more transcripts); c.245-3583T>A (NM_001291412.3); c.4342T>A (NM_138927.2); short protein forms S1448T.
Identifiers: ClinVar variation 2163893 (VCV002163893.29), dbSNP rs370367458, ClinGen allele CA10009512.